The following is an entry in ClinVar:

NM_007194.4(CHEK2):c.104C>A (p.Ser35Tyr)

Gene: CHEK2 (checkpoint kinase 2; minus strand). Cytogenetic location: 22q12.1.
Variant type: single nucleotide variant.
Coding change: c.104C>A on transcript NM_007194.4 (MANE Select); coding-DNA position 104, C replaced by A.
Protein change: p.Ser35Tyr; replaces serine 35 with tyrosine.
Molecular consequence: missense variant.
Genome position (GRCh38, 1-based): chr22:28,734,618, G>T on the plus strand (C>A on the coding strand, the complement: CHEK2 is on the minus strand). VCF-style: chr22-28734618-G-T. GRCh37 (hg19) VCF-style: chr22-29130606-G-T.
Other names: c.104C>A, p.Ser35Tyr (NM_001005735.3, NM_001349956.3, NM_145862.3); c.-674C>A (NM_001257387.3); short protein forms S35Y.
Identifiers: ClinVar variation 628577 (VCV000628577.4), dbSNP rs786203185, ClinGen allele CA411091451.

ClinVar aggregate classification (germline): Uncertain significance (1 of 4 stars; one submission).

Conditions:
Hereditary cancer-predisposing syndrome. Also called: Neoplastic Syndromes, Hereditary; Tumor predisposition; Hereditary neoplastic syndrome; Hereditary Cancer Syndrome. Identifiers: Orphanet 140162, MedGen C0027672, MeSH D009386, MONDO:0015356.

Submission:

Color Diagnostics, LLC DBA Color Health
Classification: Uncertain significance for Hereditary cancer-predisposing syndrome. Last evaluated: 2023-12-05. Review status: criteria provided, single submitter. Criteria: ACMG Guidelines, 2015. Collection method: clinical testing. Allele origin: germline.
Comment: This missense variant replaces serine with tyrosine at codon 35 of the CHEK2 protein. Computational prediction suggests that this variant may not impact protein structure and function (internally defined REVEL score threshold <= 0.5, PMID: 27666373). To our knowledge, functional studies have not been reported for this variant. This variant has not been reported in individuals affected with CHEK2-related disorders in the literature. This variant has not been identified in the general population by the Genome Aggregation Database (gnomAD). The available evidence is insufficient to determine the role of this variant in disease conclusively. Therefore, this variant is classified as a Variant of Uncertain Significance.